The following is an entry in ClinVar:

ClinVar aggregate classification (germline): Uncertain significance (1 of 4 stars; one submission).

Allele frequency attached by ClinVar (database versions not stated): ExAC 0.00001; gnomAD exomes 0.00001.
gnomAD v4.1: 12 of 1,612,542 alleles (0.00074%); highest among the groups gnomAD compares: South Asian, 0.012%; no homozygotes.

Submission:

Labcorp Genetics (formerly Invitae), Labcorp
Classification: Uncertain significance. Last evaluated: 2021-09-14. Review status: criteria provided, single submitter. Criteria: Invitae Variant Classification Sherloc (09022015). Collection method: clinical testing. Allele origin: germline.
Comment: This sequence change falls in intron 12 of the IMPG2 gene. It does not directly change the encoded amino acid sequence of the IMPG2 protein, but it affects a nucleotide within the consensus splice site of the intron. This variant is present in population databases (rs748790915, ExAC 0.006%). This variant has not been reported in the literature in individuals affected with IMPG2-related conditions. Algorithms developed to predict the effect of sequence changes on RNA splicing suggest that this variant is not likely to affect RNA splicing. In summary, the available evidence is currently insufficient to determine the role of this variant in disease. Therefore, it has been classified as a Variant of Uncertain Significance.

NM_016247.4(IMPG2):c.1544-3T>C

Gene: IMPG2 (interphotoreceptor matrix proteoglycan 2; minus strand). Cytogenetic location: 3q12.3.
Variant type: single nucleotide variant.
Coding change: c.1544-3T>C on transcript NM_016247.4 (MANE Select); 3 bases into the intron before coding-DNA position 1544, T replaced by C.
Molecular consequence: intron variant.
Genome position (GRCh38, 1-based): chr3:101,244,790, A>G on the plus strand (T>C on the coding strand, the complement: IMPG2 is on the minus strand). VCF-style: chr3-101244790-A-G. GRCh37 (hg19) VCF-style: chr3-100963634-A-G.
Identifiers: ClinVar variation 1403341 (VCV001403341.3), dbSNP rs748790915, ClinGen allele CA2519134.